The following is an entry in ClinVar:

NM_001382391.1(CSPP1):c.-56del

Gene: CSPP1 (centrosome and spindle pole associated protein 1; plus strand). Cytogenetic location: 8q13.1.
Variant type: Deletion.
Coding change: c.-56del on transcript NM_001382391.1 (MANE Select); 56 bases upstream of the start codon, one base deleted (C; older notation c.-56delC).
Molecular consequence: 5 prime UTR variant. On other transcripts: frameshift variant (3).
Genome position (GRCh38, 1-based): chr8:67,064,493, C deleted; the last of 4 consecutive C bases (chr8:67,064,490-67,064,493); deleting any one gives the same sequence. VCF-style (leftmost placement, unchanged base first): chr8-67064489-TC-T. GRCh37 (hg19) VCF-style: chr8-67976724-TC-T.
Other names: c.-56del (NM_001363131.2, NM_001363132.2, NM_001363133.2); c.95del, p.Pro32fs (NM_001364869.1, NM_001364870.1); c.95delC, p.Pro32Leufs (NM_024790.7); short protein forms P32fs.
Identifiers: ClinVar variation 1964919 (VCV001964919.5), dbSNP rs762868036, ClinGen allele CA4770066.
Genomic context (GRCh38, chr8:67,064,489, plus strand): 5'-ACCTCTTCGGTCCGCGACGATCCTCTAGAGCACTGTGTGTCTCCCCGGACGCGAGCCCGC[TC>T]CCCTGAGTAAGAGTCAGCCAGCCGCGGATGGGGAGCGTGAGTGGCGAGGTGTGGCCTGGG-3'

ClinVar aggregate classification (germline): Pathogenic (1 of 4 stars; one submission).

Conditions:
Joubert syndrome 21 (JBTS21). Identifiers: MedGen C3810212, MONDO:0014288, OMIM 615636.

Submission:

Labcorp Genetics (formerly Invitae), Labcorp
Classification: Pathogenic for Joubert syndrome 21. Last evaluated: 2022-10-17. Review status: criteria provided, single submitter. Criteria: Invitae Variant Classification Sherloc (09022015). Collection method: clinical testing. Allele origin: germline.
Comment: For these reasons, this variant has been classified as Pathogenic. This variant has not been reported in the literature in individuals affected with CSPP1-related conditions. This variant is present in population databases (rs762868036, gnomAD 0.0009%). This sequence change creates a premature translational stop signal (p.Pro32Leufs*37) in the CSPP1 gene. It is expected to result in an absent or disrupted protein product. Loss-of-function variants in CSPP1 are known to be pathogenic (PMID: 24360807, 24360808).

Literature cited by the submitters: PubMed 24360807; PubMed 24360808.